The following is an entry in ClinVar:

NM_000094.4(COL7A1):c.6341_6343delinsTT (p.Gly2114fs)

Gene: COL7A1 (collagen type VII alpha 1 chain; minus strand). Cytogenetic location: 3p21.31.
Variant type: Indel.
Coding change: c.6341_6343delinsTT on transcript NM_000094.4 (MANE Select); coding-DNA positions 6341 to 6343, GTG replaced by TT.
Protein change: p.Gly2114fs; shifts the reading frame from glycine 2114.
Molecular consequence: frameshift variant.
Genome position (GRCh38, 1-based): chr3:48,574,802-48,574,804, CAC replaced by AA on the plus strand (GTG replaced by TT on the coding strand, the reverse complement: COL7A1 is on the minus strand). VCF-style: chr3-48574802-CAC-AA. GRCh37 (hg19) VCF-style: chr3-48612235-CAC-AA.
Other names: short protein forms G2114fs.
Identifiers: ClinVar variation 1960884 (VCV001960884.3), dbSNP rs2530954644, ClinGen allele CA2580069968.

ClinVar aggregate classification (germline): Pathogenic (1 of 4 stars; one submission).

Submission:

Labcorp Genetics (formerly Invitae), Labcorp
Classification: Pathogenic. Last evaluated: 2022-07-12. Review status: criteria provided, single submitter. Criteria: Invitae Variant Classification Sherloc (09022015). Collection method: clinical testing. Allele origin: germline.
Comment: For these reasons, this variant has been classified as Pathogenic. ClinVar contains an entry for this variant (Variation ID: 1074158). This variant has not been reported in the literature in individuals affected with COL7A1-related conditions. This variant is not present in population databases (gnomAD no frequency). This sequence change creates a premature translational stop signal (p.Gly2114Valfs*92) in the COL7A1 gene. It is expected to result in an absent or disrupted protein product. Loss-of-function variants in COL7A1 are known to be pathogenic (PMID: 16971478).

Literature cited by the submitters: PubMed 16971478.